The following is an entry in ClinVar:

NM_031407.7(HUWE1):c.4867C>T (p.Arg1623Cys)

Gene: HUWE1 (HECT, UBA and WWE domain containing E3 ubiquitin protein ligase 1; minus strand). Cytogenetic location: Xp11.22.
Variant type: single nucleotide variant.
Coding change: c.4867C>T on transcript NM_031407.7 (MANE Select); coding-DNA position 4867, C replaced by T.
Protein change: p.Arg1623Cys; replaces arginine 1623 with cysteine.
Molecular consequence: missense variant.
Genome position (GRCh38, 1-based): chrX:53,585,146, G>A on the plus strand (C>T on the coding strand, the complement: HUWE1 is on the minus strand). VCF-style: chrX-53585146-G-A. GRCh37 (hg19) VCF-style: chrX-53612106-G-A.
Other names: short protein forms R1623C.
Identifiers: ClinVar variation 2499198 (VCV002499198.1), dbSNP rs2525625687, ClinGen allele CA413175227.

ClinVar aggregate classification (germline): Uncertain significance (1 of 4 stars; one submission).

Submission:

GeneDx
Classification: Uncertain significance. Last evaluated: 2022-10-13. Review status: criteria provided, single submitter. Criteria: GeneDx Variant Classification Process June 2021. Collection method: clinical testing. Allele origin: germline. Affected: yes.
Comment: Not observed at significant frequency in large population cohorts (gnomAD); In silico analysis supports that this missense variant has a deleterious effect on protein structure/function; Has not been previously published as pathogenic or benign to our knowledge